The following is an entry in ClinVar:

ClinVar aggregate classification (germline): Uncertain significance (1 of 4 stars; one submission).

Conditions:
Oligodontia-cancer predisposition syndrome. Also called: TOOTH AGENESIS-COLORECTAL CANCER SYNDROME. Identifiers: Orphanet 300576, MedGen C1837750, MONDO:0012075, OMIM 608615. Disease mechanism: loss of function.

Submission:

Labcorp Genetics (formerly Invitae), Labcorp
Classification: Uncertain significance for Oligodontia-cancer predisposition syndrome. Last evaluated: 2022-05-04. Review status: criteria provided, single submitter. Criteria: Invitae Variant Classification Sherloc (09022015). Collection method: clinical testing. Allele origin: germline.
Comment: In summary, the available evidence is currently insufficient to determine the role of this variant in disease. Therefore, it has been classified as a Variant of Uncertain Significance. Algorithms developed to predict the effect of missense changes on protein structure and function (SIFT, PolyPhen-2, Align-GVGD) all suggest that this variant is likely to be tolerated. This variant has not been reported in the literature in individuals affected with AXIN2-related conditions. This variant is not present in population databases (gnomAD no frequency). This sequence change replaces threonine, which is neutral and polar, with alanine, which is neutral and non-polar, at codon 176 of the AXIN2 protein (p.Thr176Ala).

NM_004655.4(AXIN2):c.526A>G (p.Thr176Ala)

Gene: AXIN2 (axin 2; minus strand). Cytogenetic location: 17q24.1.
Variant type: single nucleotide variant.
Coding change: c.526A>G on transcript NM_004655.4 (MANE Select); coding-DNA position 526, A replaced by G.
Protein change: p.Thr176Ala; replaces threonine 176 with alanine.
Molecular consequence: missense variant.
Genome position (GRCh38, 1-based): chr17:65,558,095, T>C on the plus strand (A>G on the coding strand, the complement: AXIN2 is on the minus strand). VCF-style: chr17-65558095-T-C. GRCh37 (hg19) VCF-style: chr17-63554213-T-C.
Other names: c.526A>G, p.Thr176Ala (NM_001363813.1); short protein forms T176A.
Identifiers: ClinVar variation 1985337 (VCV001985337.4), dbSNP rs2544249901, ClinGen allele CA400681032.
Genomic context (GRCh38, chr17:65,558,095, plus strand): 5'-ATATATCAGAAGTCAAAAACATCTGGTAGGCATTTTCCTCCATCACCGACTGGATCTCGG[T>C]CTGCGCCTGGTCAAACATGATGGAATCAATCTGCTGCTTCTTGATGCCATCTCTTATGTA-3'
Protein context (NP_004646.3, residues 166-186): IDSIMFDQAQ[Thr176Ala]EIQSVMEENA